The following is an entry in ClinVar:

NM_000478.6(ALPL):c.436G>A (p.Glu146Lys)

Gene: ALPL (alkaline phosphatase, biomineralization associated; plus strand). Cytogenetic location: 1p36.12.
Variant type: single nucleotide variant.
Coding change: c.436G>A on transcript NM_000478.6 (MANE Select); coding-DNA position 436, G replaced by A.
Protein change: p.Glu146Lys; replaces glutamic acid 146 with lysine.
Molecular consequence: missense variant.
Genome position (GRCh38, 1-based): chr1:21,563,248, G>A. VCF-style: chr1-21563248-G-A. GRCh37 (hg19) VCF-style: chr1-21889741-G-A.
Other names: p.Glu146Lys; c.271G>A, p.Glu91Lys (NM_001127501.4); c.205G>A, p.Glu69Lys (NM_001177520.3); c.436G>A, p.Glu146Lys (NM_001369803.2, NM_001369804.2, NM_001369805.2); short protein forms E146K, E69K, E91K.
Identifiers: ClinVar variation 197677 (VCV000197677.38), dbSNP rs138587317, ClinGen allele CA245947.

ClinVar aggregate classification (germline): Conflicting classifications of pathogenicity. Review status: criteria provided, conflicting classifications (1 of 4 stars). 15 submissions from 15 submitters: Pathogenic (1); Likely pathogenic (4); Uncertain significance (9). 1 of the submissions does not count toward it. Last evaluated 2026-09-15.

Conditions:
Hypophosphataemia or rickets.
ALPL-related disorder. Also called: ALPL-related disorders; ALPL-related condition.
Inborn genetic diseases. Identifiers: MedGen C0950123, MeSH D030342.
Infantile hypophosphatasia. Identifiers: Orphanet 247651, Orphanet 436, MedGen C0268412, MONDO:1010169, OMIM 241500, MONDO:0009427.
Adult hypophosphatasia. Identifiers: Orphanet 247676, Orphanet 436, MedGen C0268413, MONDO:1010154, OMIM 146300, MONDO:0007798.
Childhood hypophosphatasia. Identifiers: Orphanet 247667, Orphanet 436, MedGen C0220743, MONDO:1010168, OMIM 241510, MONDO:0009428.
Hypophosphatasia. Also called: Phosphoethanol-aminuria. Identifiers: Orphanet 436, MedGen C0020630, MeSH D007014, MONDO:0018570.

Allele frequency attached by ClinVar (database versions not stated): ESP Exome Variant Server 0.00031; ExAC 0.00017; gnomAD exomes 0.00022 and 0.00011; gnomAD 0.00015; TOPMed 0.00016.
gnomAD v4.1: 338 of 1,613,516 alleles (0.021%); highest among the groups gnomAD compares: Non-Finnish European, 0.028%; 1 homozygote.

Submissions (15):

PreventionGenetics, part of Exact Sciences
Classification: Likely pathogenic for ALPL-related condition. Last evaluated: 2026-09-15. Review status: criteria provided, single submitter. Criteria: ACMG Guidelines, 2015. Collection method: clinical testing. Allele origin: germline.
Comment: The ALPL c.436G>A variant is predicted to result in the amino acid substitution p.Glu146Lys. This variant has been reported in the heterozygous state in multiple individuals with hypophosphatasia (Tenorio et al. 2017. PubMed ID: 28127875; Table S2, Rush et al. 2021. PubMed ID: 34633109; Glotov et al. 2022. PubMed ID: 36361766). This variant has also been reported in the heterozygous state in individuals with low serum alkaline phosphatase and low bone mineral density (Alonso et al. 2020. PubMed ID: 31793067; Nielson et al. 2012. PubMed ID: 21956185; McKiernan et al. 2017. PubMed ID: 28401263; Jandl et al. 2020. PubMed ID: 33191482). At PreventionGenetics, this variant has been reported in the heterozygous state in multiple individuals undergoing hypophosphatasia testing (internal data). An in vitro experimental study using transfected mutant and wild-type ALPL plasmids suggests this variant reduces enzyme activity to 72.7% of wild-type; however, when co-expressed with wild-type protein, enzyme activity was 96.1% relative activity indicating an absence of a dominant-negative effect (Del Angel et al. 2020. PubMed ID: 32160374). This variant is reported in 0.023% of alleles in individuals of European (Non-Finnish) descent in gnomAD and it has conflicting classifications listed in ClinVar ranging from uncertain to pathogenic (Variation ID: 197677). Reduced penetrance and expressivity is known in ALPL-related disease. Taken together, this variant is interpreted as likely pathogenic.

GeneDx
Classification: Uncertain significance. Last evaluated: 2026-09-01. Review status: criteria provided, single submitter. Criteria: GeneDx Variant Classification Process June 2021. Collection method: clinical testing. Allele origin: germline.
Comment: Published functional studies suggest a moderately damaging affect on protein activity (PMID: 32160374); In silico analysis supports that this missense variant has a deleterious effect on protein structure/function; This variant is associated with the following publications: (PMID: 28127875, 31793067, 33191482, 26432670, 28401263, 36361766, 34633109, 38884565, 32160374, 21956185, 38702915, 39983296)

Cambridge Genomics Laboratory, East Genomic Laboratory Hub, NHS Genomic Medicine Service
Classification: Uncertain significance for Hypophosphataemia or rickets. Last evaluated: 2026-07-08. Review status: criteria provided, single submitter. Criteria: ACGS Best Practice Guidelines for Variant Classification in Rare Disease 2020. Collection method: clinical testing. Allele origin: germline. Affected: yes.
Comment: PS4_Moderate,PM2_Supporting,PP3,PP4

Labcorp Genetics (formerly Invitae), Labcorp
Classification: Pathogenic. Last evaluated: 2026-01-17. Review status: criteria provided, single submitter. Criteria: Invitae Variant Classification Sherloc (09022015). Collection method: clinical testing. Allele origin: germline.
Comment: This sequence change replaces glutamic acid, which is acidic and polar, with lysine, which is basic and polar, at codon 146 of the ALPL protein (p.Glu146Lys). This variant is present in population databases (rs138587317, gnomAD 0.02%). This missense change has been observed in individual(s) with clinical features of hypophosphatasia (PMID: 21956185, 26432670, 28127875, 28401263; internal data). In at least one individual the data is consistent with being in trans (on the opposite chromosome) from a pathogenic variant. ClinVar contains an entry for this variant (Variation ID: 197677). Invitae Evidence Modeling of protein sequence and biophysical properties (such as structural, functional, and spatial information, amino acid conservation, physicochemical variation, residue mobility, and thermodynamic stability) indicates that this missense variant is expected to disrupt ALPL protein function with a positive predictive value of 95%. For these reasons, this variant has been classified as Pathogenic.

Center for Genomic Medicine, Rigshospitalet, Copenhagen University Hospital
Classification: Likely pathogenic. Last evaluated: 2025-12-29. Review status: criteria provided, single submitter. Criteria: ACMG Guidelines, 2015. Collection method: clinical testing. Allele origin: germline.

Genomenon, Inc
Classification: Likely pathogenic for Hypophosphatasia. Last evaluated: 2025-08-29. Review status: criteria provided, single submitter. Criteria: Genomenon Sequence Variant Interpretation Standards. Collection method: curation. Allele origin: germline. Affected: yes.
Comment: ALPL c.436G>A is a missense variant that changes the amino acid at residue 146 from Glutamic acid to Lysine. This variant has been observed in at least one proband affected with hypophosphatasia (PMID:36361766;31793067;28401263;28127875). Functional studies have been reported;however, the significance of the findings remain unclear (PMID:32160374). It is absent or not present at a significant frequency in gnomAD. In silico models agree that this variant is possibly or probably damaging. In conclusion, we classify ALPL p.Glu146Lys (c.436G>A) as a likely pathogenic variant.

Women's Health and Genetics/Laboratory Corporation of America, LabCorp
Classification: Likely pathogenic for Hypophosphatasia. Last evaluated: 2025-05-23. Review status: criteria provided, single submitter. Criteria: LabCorp Variant Classification Summary - May 2015. Collection method: clinical testing. Allele origin: germline.
Comment: Variant summary: ALPL c.436G>A (p.Glu146Lys) results in a conservative amino acid change located in the Alkaline phosphatase domain (IPR001952) of the encoded protein sequence. Algorithms developed to predict the effect of missense changes on protein structure and function are either unavailable or do not agree on the potential impact of this missense change. The variant allele was found at a frequency of 0.00021 in 1613516 control chromosomes in the gnomAD database, including one homozygote. This frequency is not significantly higher than estimated for a pathogenic variant in ALPL causing Hypophosphatasia (0.00021 vs 0.0035), allowing no conclusion about variant significance. c.436G>A has been reported in the literature in heterozygous state in multiple settings such as, fetus with suspected Campomelic dysplasia (Taillander_2015); pediatric hypophosphatasia cohort (Glotov_2022), patients with suspected/adult hypophosphatasia (Tenorio_2017, McKiernan_2017), asymptomatic patients with low bone mineral density (Alonso_2020; Jandl_2020) and patients with clinical features of hypophosphatasia (Nielson_ 2013, MacCarrick_2024, Kishnani_2024, Internal data). These data indicate that the variant may be associated with disease. At least one publication reports experimental evidence evaluating an impact on protein function. The most pronounced variant effect results in >70% of normal tissue nonspecific alkaline phosphatase (TNSALP) enzyme activity (Angel_2020). The following publications have been ascertained in the context of this evaluation (PMID: 31793067, 32160374, 36361766, 33191482, 38884565, 38702915, 28401263, 21956185, 34633109, 26432670, 28127875). ClinVar contains an entry for this variant (Variation ID: 197677). Based on the evidence outlined above, the variant was classified as likely pathogenic.

Mayo Clinic Laboratories, Mayo Clinic
Classification: Uncertain significance. Last evaluated: 2024-07-24. Review status: criteria provided, single submitter. Criteria: ACMG Guidelines, 2015. Collection method: clinical testing. Allele origin: germline. Observed: 1 variant allele.
Comment: BS3, PP3, PM2, PS4_moderate

Fulgent Genetics
Classification: Uncertain significance for Adult hypophosphatasia; Infantile hypophosphatasia; Childhood hypophosphatasia. Last evaluated: 2024-06-25. Review status: criteria provided, single submitter. Criteria: ACMG Guidelines, 2015. Collection method: clinical testing. Allele origin: germline.

Blueprint Genetics
Classification: Uncertain significance. Last evaluated: 2024-01-31. Review status: criteria provided, single submitter. Criteria: ACMG Guidelines, 2015. Collection method: clinical testing. Allele origin: germline.

Ambry Genetics
Classification: Uncertain significance for Inborn genetic diseases. Last evaluated: 2022-07-11. Review status: criteria provided, single submitter. Criteria: Ambry Variant Classification Scheme 2023. Collection method: clinical testing. Allele origin: germline.
Comment: Unlikely to be causative of autosomal dominant hypophosphatasia (AD) Based on insufficient or conflicting evidence, the clinical significance of this alteration remains unclear.

Department of Pathology and Laboratory Medicine, Sinai Health System
Classification: Uncertain significance for Adult hypophosphatasia; Childhood hypophosphatasia; Infantile hypophosphatasia. Last evaluated: 2021-07-30. Review status: criteria provided, single submitter. Criteria: ACMG Guidelines, 2015. Collection method: research. Allele origin: germline.

Eurofins Ntd Llc (ga)
Classification: Uncertain significance. Last evaluated: 2017-09-12. Review status: criteria provided, single submitter. Criteria: EGL Classification Definitions 2015. Collection method: clinical testing. Allele origin: germline. Observed: 2 variant alleles, 2 heterozygotes.

Illumina Laboratory Services, Illumina
Classification: Uncertain significance for Hypophosphatasia. Last evaluated: 2017-04-28. Review status: criteria provided, single submitter. Criteria: ICSL Variant Classification Criteria 13 December 2019. Collection method: clinical testing. Allele origin: germline.
Comment: This variant was observed as part of a predisposition screen in an ostensibly healthy population. A literature search was performed for the gene, cDNA change, and amino acid change (where applicable). Publications were found based on this search. However, the evidence from the literature, in combination with allele frequency data from public databases where available, was not sufficient to rule this variant in or out of causing disease. Therefore, this variant is classified as a variant of unknown significance.

Natera, Inc.
Classification: Uncertain significance for Hypophosphatasia. Last evaluated: 2020-01-23. Review status: no assertion criteria provided. Collection method: clinical testing. Allele origin: germline. Not counted in ClinVar's aggregate classification.

Literature cited by the submitters: PubMed 21956185 (cited by 5 submitters); PubMed 26432670 (cited by 5 submitters); PubMed 28127875 (cited by 5 submitters); PubMed 28401263 (cited by 4 submitters); PubMed 34633109 (cited by 3 submitters); PubMed 38884565 (cited by 3 submitters); PubMed 32160374 (cited by 5 submitters); PubMed 36361766 (cited by 3 submitters); PubMed 31793067 (cited by 4 submitters); PubMed 33191482 (cited by 3 submitters); PubMed 38702915 (cited by Women's Health and Genetics/Laboratory Corporation of America, LabCorp); PubMed 26432671 (cited by Illumina Laboratory Services, Illumina).